The following is an entry in ClinVar:

ClinVar aggregate classification (germline): Benign (0 of 4 stars; one submission).

Conditions:
ACTN3-related disorder. Also called: ACTN3-related condition.

Allele frequency attached by ClinVar (database versions not stated): ESP Exome Variant Server 0.00008; TOPMed 0.00011; gnomAD exomes 0.00084; ExAC 0.00188; 1000 Genomes Project 30x 0.00312; 1000 Genomes Project 0.00359.
gnomAD v4.1: 1,295 of 1,613,898 alleles (0.08%); highest among the groups gnomAD compares: South Asian, 1.3%; 24 homozygotes.

Submission:

PreventionGenetics, part of Exact Sciences
Classification: Benign for ACTN3-related condition. Last evaluated: 2019-08-12. Review status: no assertion criteria provided. Collection method: clinical testing. Allele origin: germline.
Comment: This variant is classified as benign based on ACMG/AMP sequence variant interpretation guidelines (Richards et al. 2015 PMID: 25741868, with internal and published modifications).

NM_001104.4(ACTN3):c.992G>A (p.Arg331Gln)

Gene: ACTN3 (actinin alpha 3; plus strand). Cytogenetic location: 11q13.2.
Variant type: single nucleotide variant.
Coding change: c.992G>A on transcript NM_001104.4 (MANE Select); coding-DNA position 992, G replaced by A.
Protein change: p.Arg331Gln; replaces arginine 331 with glutamine.
Molecular consequence: missense variant.
Genome position (GRCh38, 1-based): chr11:66,557,793, G>A. VCF-style: chr11-66557793-G-A. GRCh37 (hg19) VCF-style: chr11-66325264-G-A.
Other names: c.1121G>A, p.Arg374Gln (NM_001258371.3); short protein forms R331Q, R374Q.
Identifiers: ClinVar variation 3053164 (VCV003053164.2), dbSNP rs201487054, ClinGen allele CA6124521.